The following is an entry in ClinVar:

ClinVar aggregate classification (germline): Uncertain significance (1 of 4 stars; one submission).

gnomAD v4.1: 2 of 1,558,806 alleles (0.00013%); highest among the groups gnomAD compares: African/African-American, 0.0027%; no homozygotes.

Submission:

Labcorp Genetics (formerly Invitae), Labcorp
Classification: Uncertain significance. Last evaluated: 2024-08-28. Review status: criteria provided, single submitter. Criteria: Invitae Variant Classification Sherloc (09022015). Collection method: clinical testing. Allele origin: germline.
Comment: This sequence change replaces cysteine, which is neutral and slightly polar, with serine, which is neutral and polar, at codon 242 of the GATA5 protein (p.Cys242Ser). This variant is present in population databases (no rsID available, gnomAD 0.01%). This variant has not been reported in the literature in individuals affected with GATA5-related conditions. Invitae Evidence Modeling of protein sequence and biophysical properties (such as structural, functional, and spatial information, amino acid conservation, physicochemical variation, residue mobility, and thermodynamic stability) indicates that this missense variant is not expected to disrupt GATA5 protein function with a negative predictive value of 80%. In summary, the available evidence is currently insufficient to determine the role of this variant in disease. Therefore, it has been classified as a Variant of Uncertain Significance.

NM_080473.5(GATA5):c.725G>C (p.Cys242Ser)

Gene: GATA5 (GATA binding protein 5; minus strand). Cytogenetic location: 20q13.33.
Variant type: single nucleotide variant.
Coding change: c.725G>C on transcript NM_080473.5 (MANE Select); coding-DNA position 725, G replaced by C.
Protein change: p.Cys242Ser; replaces cysteine 242 with serine.
Molecular consequence: missense variant.
Genome position (GRCh38, 1-based): chr20:62,466,526, C>G on the plus strand (G>C on the coding strand, the complement: GATA5 is on the minus strand). VCF-style: chr20-62466526-C-G. GRCh37 (hg19) VCF-style: chr20-61041582-C-G.
Other names: short protein forms C242S.
Identifiers: ClinVar variation 3658605 (VCV003658605.2).